The following is an entry in ClinVar:

NM_001844.5(COL2A1):c.1680+2T>G

Gene: COL2A1 (collagen type II alpha 1 chain; minus strand). Cytogenetic location: 12q13.11.
Variant type: single nucleotide variant.
Coding change: c.1680+2T>G on transcript NM_001844.5 (MANE Select); the canonical splice donor site of the intron after coding-DNA position 1680, T replaced by G.
Molecular consequence: splice donor variant.
Genome position (GRCh38, 1-based): chr12:47,985,726, A>C on the plus strand (T>G on the coding strand, the complement: COL2A1 is on the minus strand). VCF-style: chr12-47985726-A-C. GRCh37 (hg19) VCF-style: chr12-48379509-A-C.
Other names: c.1473+2T>G (NM_033150.3).
Identifiers: ClinVar variation 633176 (VCV000633176.1), dbSNP rs1565681966, ClinGen allele CA384551301.

ClinVar aggregate classification (germline): Likely pathogenic (1 of 4 stars; one submission).

Conditions:
Achondrogenesis type II (ACG2). Also called: ACHONDROGENESIS, LANGER-SALDINO TYPE; CHONDROGENESIS IMPERFECTA. Identifiers: Orphanet 932, Orphanet 93296, MedGen C0220685, MONDO:0008702, OMIM 200610.

Submission:

Women's Health and Genetics/Laboratory Corporation of America, LabCorp
Classification: Likely pathogenic for Achondrogenesis, type II. Last evaluated: 2018-07-05. Review status: criteria provided, single submitter. Criteria: LabCorp Variant Classification Summary - May 2015. Collection method: clinical testing. Allele origin: germline.
Comment: Variant summary: COL2A1 c.1680+2T>G is located in a canonical splice-site and is predicted to affect mRNA splicing resulting in a significantly altered protein due to either exon skipping, shortening, or inclusion of intronic material. Several computational tools predict a significant impact on normal splicing: Five predict the variant abolishes a 5' splicing donor site. However, these predictions have yet to be confirmed by functional studies. The variant was absent in 245448 control chromosomes. To our knowledge, no occurrence of c.1680+2T>G in individuals affected with Achondrogenesis, type II and no experimental evidence demonstrating its impact on protein function have been reported. No clinical diagnostic laboratories have submitted clinical-significance assessments for this variant to ClinVar after 2014. Based on the evidence outlined above, the variant was classified as likely pathogenic.